The following is an entry in ClinVar:

NM_003227.4(TFR2):c.1094C>T (p.Ser365Phe)

Gene: TFR2 (transferrin receptor 2; minus strand). Cytogenetic location: 7q22.1.
Variant type: single nucleotide variant.
Coding change: c.1094C>T on transcript NM_003227.4 (MANE Select); coding-DNA position 1094, C replaced by T.
Protein change: p.Ser365Phe; replaces serine 365 with phenylalanine.
Molecular consequence: missense variant.
Genome position (GRCh38, 1-based): chr7:100,631,818, G>A on the plus strand (C>T on the coding strand, the complement: TFR2 is on the minus strand). VCF-style: chr7-100631818-G-A. GRCh37 (hg19) VCF-style: chr7-100229441-G-A.
Other names: c.581C>T, p.Ser194Phe (NM_001206855.3); short protein forms S194F, S365F.
Identifiers: ClinVar variation 2636725 (VCV002636725.1), dbSNP rs757899366, ClinGen allele CA4386608.

ClinVar aggregate classification (germline): Uncertain significance (1 of 4 stars; one submission).

Conditions:
TFR2-related disorder. Also called: TFR2-related condition.

Allele frequency attached by ClinVar (database versions not stated): ExAC 0.00001; gnomAD exomes 0.00002; TOPMed 0.00002; gnomAD 0.00003.
gnomAD v4.1: 32 of 1,612,648 alleles (0.002%); highest among the groups gnomAD compares: Non-Finnish European, 0.0027%; no homozygotes.

Submission:

PreventionGenetics, part of Exact Sciences
Classification: Uncertain significance for TFR2-related condition. Last evaluated: 2022-11-03. Review status: criteria provided, single submitter. Criteria: ACMG Guidelines, 2015. Collection method: clinical testing. Allele origin: germline.
Comment: The TFR2 c.1094C>T variant is predicted to result in the amino acid substitution p.Ser365Phe. To our knowledge, this variant has not been reported in the literature. This variant is reported in 0.0093% of alleles in individuals of European (Non-Finnish) descent in gnomAD. At this time, the clinical significance of this variant is uncertain due to the absence of conclusive functional and genetic evidence.